The following is an entry in ClinVar:

ClinVar aggregate classification (germline): Likely benign. Review status: criteria provided, multiple submitters, no conflicts (2 of 4 stars). 2 submissions from 2 submitters: Likely benign (2). Last evaluated 2025-09-24.

Conditions:
ADGRV1-related disorder. Also called: ADGRV1-related disorders; ADGRV1-related condition.

Allele frequency attached by ClinVar (database versions not stated): gnomAD exomes below 0.00001 and 0.00002; TOPMed 0.00003; gnomAD 0.00004 and 0.00005.
gnomAD v4.1: 37 of 1,609,826 alleles (0.0023%); highest among the groups gnomAD compares: African/African-American, 0.008%; no homozygotes.

Submissions (2):

Labcorp Genetics (formerly Invitae), Labcorp
Classification: Likely benign. Last evaluated: 2025-09-24. Review status: criteria provided, single submitter. Criteria: Invitae Variant Classification Sherloc (09022015). Collection method: clinical testing. Allele origin: germline.

PreventionGenetics, part of Exact Sciences
Classification: Likely benign for ADGRV1-related condition. Last evaluated: 2024-11-14. Review status: criteria provided, single submitter. Criteria: ACMG Guidelines, 2015. Collection method: clinical testing. Allele origin: germline.
Comment: This variant is classified as likely benign based on ACMG/AMP sequence variant interpretation guidelines (Richards et al. 2015 PMID: 25741868, with internal and published modifications).

NM_032119.4(ADGRV1):c.11487A>G (p.Gln3829=)

Gene: ADGRV1 (adhesion G protein-coupled receptor V1; plus strand). Cytogenetic location: 5q14.3.
Variant type: single nucleotide variant.
Coding change: c.11487A>G on transcript NM_032119.4 (MANE Select); coding-DNA position 11487, A replaced by G.
Protein change: p.Gln3829=; no amino-acid change (glutamine 3829 retained).
Molecular consequence: synonymous variant. On other transcripts: non-coding transcript variant (1).
Genome position (GRCh38, 1-based): chr5:90,755,092, A>G. VCF-style: chr5-90755092-A-G. GRCh37 (hg19) VCF-style: chr5-90050909-A-G.
Other names: c.11487A>G (NM_032119.3).
Identifiers: ClinVar variation 1429648 (VCV001429648.9), dbSNP rs889312020, ClinGen allele CA122798476.